The following is an entry in ClinVar:

NM_001375567.1(FOCAD):c.3341A>G (p.Asn1114Ser)

Gene: FOCAD (focadhesin; plus strand). Cytogenetic location: 9p21.3.
Variant type: single nucleotide variant.
Coding change: c.3341A>G on transcript NM_001375567.1 (MANE Select); coding-DNA position 3341, A replaced by G.
Protein change: p.Asn1114Ser; replaces asparagine 1114 with serine.
Molecular consequence: missense variant.
Genome position (GRCh38, 1-based): chr9:20,933,037, A>G. VCF-style: chr9-20933037-A-G. GRCh37 (hg19) VCF-style: chr9-20933036-A-G.
Other names: c.3236A>G, p.Asn1079Ser (NM_001375568.1, NM_001375570.1); c.3341A>G, p.Asn1114Ser (NM_017794.5); c.3341A>G (NM_017794.3); short protein forms N1114S, N1079S.
Identifiers: ClinVar variation 2911659 (VCV002911659.4), dbSNP rs537154221, ClinGen allele CA5007513.

ClinVar aggregate classification (germline): Uncertain significance. Review status: criteria provided, multiple submitters, no conflicts (2 of 4 stars). 2 submissions from 2 submitters: Uncertain significance (2). Last evaluated 2024-09-04.

Conditions:
Inborn genetic diseases. Identifiers: MedGen C0950123, MeSH D030342.

Allele frequency attached by ClinVar (database versions not stated): gnomAD 0.00001; gnomAD exomes 0.00001; ExAC 0.00002.
gnomAD v4.1: 15 of 1,613,850 alleles (0.00093%); highest among the groups gnomAD compares: East Asian, 0.0067%; no homozygotes.

Submissions (2):

Labcorp Genetics (formerly Invitae), Labcorp
Classification: Uncertain significance. Last evaluated: 2024-09-04. Review status: criteria provided, single submitter. Criteria: Invitae Variant Classification Sherloc (09022015). Collection method: clinical testing. Allele origin: germline.
Comment: This sequence change replaces asparagine, which is neutral and polar, with serine, which is neutral and polar, at codon 1114 of the FOCAD protein (p.Asn1114Ser). This variant is present in population databases (rs537154221, gnomAD 0.01%). This variant has not been reported in the literature in individuals affected with FOCAD-related conditions. Experimental studies and prediction algorithms are not available or were not evaluated, and the functional significance of this variant is currently unknown. In summary, the available evidence is currently insufficient to determine the role of this variant in disease. Therefore, it has been classified as a Variant of Uncertain Significance.

Ambry Genetics
Classification: Uncertain significance for Inborn genetic diseases. Last evaluated: 2023-10-10. Review status: criteria provided, single submitter. Criteria: Ambry Variant Classification Scheme 2023. Collection method: clinical testing. Allele origin: germline.